The following is an entry in ClinVar:

NM_001606.5(ABCA2):c.1613C>T (p.Pro538Leu)

Gene: ABCA2 (ATP binding cassette subfamily A member 2; minus strand). Cytogenetic location: 9q34.3.
Variant type: single nucleotide variant.
Coding change: c.1613C>T on transcript NM_001606.5 (MANE Select); coding-DNA position 1613, C replaced by T.
Protein change: p.Pro538Leu; replaces proline 538 with leucine.
Molecular consequence: missense variant.
Genome position (GRCh38, 1-based): chr9:137,019,012, G>A on the plus strand (C>T on the coding strand, the complement: ABCA2 is on the minus strand). VCF-style: chr9-137019012-G-A. GRCh37 (hg19) VCF-style: chr9-139913464-G-A.
Other names: c.1610C>T, p.Pro537Leu (NM_001411042.1); c.1703C>T, p.Pro568Leu (NM_212533.3); short protein forms P537L, P538L, P568L.
Identifiers: ClinVar variation 3372187 (VCV003372187.1).
Genomic context (GRCh38, chr9:137,019,012, plus strand): 5'-AGCTGCTGCAGGAGGGCCATGCCACTGGGCAGCGAGAAGTTGTCCTGTCTCAGGGCCGGC[G>A]GCAGCTCATCCAGTGACAGGTTCAGTGCCTCGGGGTGCAGCCGCAGCTCTGCTACATACT-3'
Protein context (NP_001597.2, residues 528-548): EALNLSLDEL[Pro538Leu]PALRQDNFSL

ClinVar aggregate classification (germline): Uncertain significance (1 of 4 stars; one submission).

gnomAD v4.1: 6 of 1,612,872 alleles (0.00037%); highest among the groups gnomAD compares: African/African-American, 0.0013%; no homozygotes.

Submission:

GeneDx
Classification: Uncertain significance. Last evaluated: 2024-04-11. Review status: criteria provided, single submitter. Criteria: GeneDx Variant Classification Process June 2021. Collection method: clinical testing. Allele origin: germline. Affected: yes.
Comment: In silico analysis indicates that this missense variant does not alter protein structure/function; Has not been previously published as pathogenic or benign to our knowledge